The following is an entry in ClinVar:

ClinVar aggregate classification (germline): Uncertain significance (1 of 4 stars; one submission).

Submission:

Ambry Genetics
Classification: Uncertain significance. Last evaluated: 2023-11-22. Review status: criteria provided, single submitter. Criteria: Ambry Variant Classification Scheme 2023. Collection method: clinical testing. Allele origin: germline.
Comment: The p.P434Q variant (also known as c.1301C>A), located in coding exon 7 of the GALNT12 gene, results from a C to A substitution at nucleotide position 1301. The proline at codon 434 is replaced by glutamine, an amino acid with similar properties. This amino acid position is conserved. In addition, this alteration is predicted to be deleterious by in silico analysis. Since supporting evidence is limited at this time, the clinical significance of this alteration remains unclear.

NM_024642.5(GALNT12):c.1301C>A (p.Pro434Gln)

Gene: GALNT12 (polypeptide N-acetylgalactosaminyltransferase 12; plus strand). Cytogenetic location: 9q22.33.
Variant type: single nucleotide variant.
Coding change: c.1301C>A on transcript NM_024642.5 (MANE Select); coding-DNA position 1301, C replaced by A.
Protein change: p.Pro434Gln; replaces proline 434 with glutamine.
Molecular consequence: missense variant.
Genome position (GRCh38, 1-based): chr9:98,840,090, C>A. VCF-style: chr9-98840090-C-A. GRCh37 (hg19) VCF-style: chr9-101602372-C-A.
Other names: short protein forms P434Q.
Identifiers: ClinVar variation 3227911 (VCV003227911.1), dbSNP rs34565987, ClinGen allele CA374221076.
Genomic context (GRCh38, chr9:98,840,090, plus strand): 5'-AGCAGCTCCGGGACAAGCTCCAGTGTAAAGACTTCAAGTGGTTCTTGGAGACTGTGTATC[C>A]AGAACTGCATGTGCCTGAGGACAGGCCTGGCTTCTTCGGGATGGTGAGTGAGGGTGGTGG-3'
Protein context (NP_078918.3, residues 424-444): DFKWFLETVY[Pro434Gln]ELHVPEDRPG